The following is an entry in ClinVar:

NM_001605.3(AARS1):c.1658A>G (p.Asp553Gly)

Gene: AARS1 (alanyl-tRNA synthetase 1; minus strand). Cytogenetic location: 16q22.1.
Variant type: single nucleotide variant.
Coding change: c.1658A>G on transcript NM_001605.3 (MANE Select); coding-DNA position 1658, A replaced by G.
Protein change: p.Asp553Gly; replaces aspartic acid 553 with glycine.
Molecular consequence: missense variant.
Genome position (GRCh38, 1-based): chr16:70,262,359, T>C on the plus strand (A>G on the coding strand, the complement: AARS1 is on the minus strand). VCF-style: chr16-70262359-T-C. GRCh37 (hg19) VCF-style: chr16-70296262-T-C.
Other names: short protein forms D553G.
Identifiers: ClinVar variation 2006568 (VCV002006568.4), dbSNP rs1960152874, ClinGen allele CA396559904.

ClinVar aggregate classification (germline): Uncertain significance (1 of 4 stars; one submission).

Conditions:
Charcot-Marie-Tooth disease type 2. Also called: Charcot-Marie-Tooth type 2. Identifiers: Orphanet 64746, MedGen C0270914, MONDO:0018993.

Allele frequency attached by ClinVar (database versions not stated): TOPMed below 0.00001.

Submission:

Labcorp Genetics (formerly Invitae), Labcorp
Classification: Uncertain significance for Charcot-Marie-Tooth disease type 2. Last evaluated: 2022-06-14. Review status: criteria provided, single submitter. Criteria: Invitae Variant Classification Sherloc (09022015). Collection method: clinical testing. Allele origin: germline.
Comment: This variant is not present in population databases (gnomAD no frequency). This variant has not been reported in the literature in individuals affected with AARS-related conditions. Algorithms developed to predict the effect of missense changes on protein structure and function are either unavailable or do not agree on the potential impact of this missense change (SIFT: "Deleterious"; PolyPhen-2: "Benign"; Align-GVGD: "Class C0"). In summary, the available evidence is currently insufficient to determine the role of this variant in disease. Therefore, it has been classified as a Variant of Uncertain Significance. This sequence change replaces aspartic acid, which is acidic and polar, with glycine, which is neutral and non-polar, at codon 553 of the AARS protein (p.Asp553Gly).